The following is an entry in ClinVar:

ClinVar aggregate classification (germline): Pathogenic/Likely pathogenic. Review status: criteria provided, multiple submitters, no conflicts (2 of 4 stars). 9 submissions from 9 submitters: Pathogenic (3); Likely pathogenic (4). 2 of the submissions do not count toward it. Last evaluated 2026-05-08.

Conditions:
Cutis laxa, autosomal recessive, type 1B (ARCL1B). Also called: EFEMP2-Related Cutis Laxa; CUTIS LAXA, AUTOSOMAL RECESSIVE, TYPE IB. Identifiers: Orphanet 90349, MedGen C3280798, MONDO:0013754, OMIM 614437. Disease mechanism: loss of function.
Cutis laxa, autosomal recessive, type 1A (ARCL1A). Also called: Autosomal recessive cutis laxa type IA. Identifiers: Orphanet 90349, MedGen C5848058, MONDO:0009052, OMIM 219100.

Allele frequency attached by ClinVar (database versions not stated): gnomAD 0.00001; TOPMed 0.00001.

Submissions (9):

Women's Health and Genetics/Laboratory Corporation of America, LabCorp
Classification: Likely pathogenic for Cutis laxa, autosomal recessive, type 1B. Last evaluated: 2026-05-08. Review status: criteria provided, single submitter. Criteria: LabCorp Variant Classification Summary - May 2015. Collection method: clinical testing. Allele origin: germline.
Comment: Variant summary: EFEMP2 c.376G>A (p.Glu126Lys) results in a conservative amino acid change located in the EGF-like domain of the encoded protein sequence. Algorithms developed to predict the effects of missense changes on protein structure and function are either unavailable or disagree on the potential impact of this missense change. The variant allele was found at a frequency of 1.2e-05 in 250772 control chromosomes. c.376G>A has been observed in individuals in the homozygous state affected with Autosomal Recessive Cutis Laxa (e.g. Renard_2010, Sawyer_2013). These data indicate that the variant is likely to be associated with disease. At least one publication reports experimental evidence indicates an impact on protein secretion and interaction (Sasaki_2016); however, it does not allow convincing conclusions about the variant effect. The following publications have been ascertained in the context of this evaluation (PMID: 25907466, 31589614, 20389311, 27339457, 23532871). ClinVar contains an entry for this variant (Variation ID: 39011). Based on the evidence outlined above, the variant was classified as likely pathogenic.

North West Genomic Laboratory Hub, Manchester University NHS Foundation Trust
Classification: Likely pathogenic for Cutis laxa, autosomal recessive, type 1B. Last evaluated: 2024-08-14. Review status: criteria provided, single submitter. Criteria: ACGS Best Practice Guidelines for Variant Classification in Rare Disease 2020. Collection method: clinical testing. Allele origin: germline. Affected: yes.
Comment: PM1_Mod PM2_Mod PM3_Mod PP3_Supp PS3_Supp

GeneDx
Classification: Likely pathogenic. Last evaluated: 2024-05-15. Review status: criteria provided, single submitter. Criteria: GeneDx Variant Classification Process June 2021. Collection method: clinical testing. Allele origin: germline. Affected: yes.
Comment: Reported in the homozygous state in two unrelated patients with arterial tortuosity and other features consistent with autosomal recessive cutis laxa (PMID: 20389311, 23532871); Not observed at significant frequency in large population cohorts (gnomAD); Published functional studies demonstrate a damaging effect as this variant leads to reduced levels of secreted protein (PMID: 27339457); In silico analysis supports that this missense variant has a deleterious effect on protein structure/function; This variant is associated with the following publications: (PMID: 23532871, 31125616, 31589614, 36351433, 24276535, 34901216, 25907466, 35456902, 21563328, 27339457, 20389311)

Labcorp Genetics (formerly Invitae), Labcorp
Classification: Likely pathogenic for Cutis laxa, autosomal recessive, type 1B. Last evaluated: 2023-12-15. Review status: criteria provided, single submitter. Criteria: Invitae Variant Classification Sherloc (09022015). Collection method: clinical testing. Allele origin: germline.
Comment: This sequence change replaces glutamic acid, which is acidic and polar, with lysine, which is basic and polar, at codon 126 of the EFEMP2 protein (p.Glu126Lys). This variant is present in population databases (rs193302867, gnomAD 0.003%). This missense change has been observed in individuals with EFEMP2-related conditions (PMID: 20389311, 23532871, 24276535). ClinVar contains an entry for this variant (Variation ID: 39011). Advanced modeling of protein sequence and biophysical properties (such as structural, functional, and spatial information, amino acid conservation, physicochemical variation, residue mobility, and thermodynamic stability) performed at Invitae indicates that this missense variant is expected to disrupt EFEMP2 protein function with a positive predictive value of 80%. Experimental studies have shown that this missense change affects EFEMP2 function (PMID: 27339457). This variant disrupts the p.Glu126 amino acid residue in EFEMP2. Other variant(s) that disrupt this residue have been observed in individuals with EFEMP2-related conditions (PMID: 20389311), which suggests that this may be a clinically significant amino acid residue. In summary, the currently available evidence indicates that the variant is pathogenic, but additional data are needed to prove that conclusively. Therefore, this variant has been classified as Likely Pathogenic.

ARUP Laboratories, Molecular Genetics and Genomics, ARUP Laboratories
Classification: Pathogenic for Cutis laxa, autosomal recessive, type 1B. Last evaluated: 2021-01-06. Review status: criteria provided, single submitter. Criteria: ARUP Molecular Germline Variant Investigation Process 2021. Collection method: clinical testing. Allele origin: germline.
Comment: The EFEMP2 c.376G>A; p.Glu126Lys variant (rs193302867) is reported in the literature in several homozygous individuals affected with cutis laxa and symptoms of an aortopathy (Renard 2010, Sawyer 2013). Several heterozygous individuals with this variant were also reported with hypermobility or hip dysplasia, although at least one heterozygous carrier is reported healthy (Sawyer 2013). This variant is found on only three chromosomes (3/250772 alleles) in the Genome Aggregation Database, indicating it is not a common polymorphism. The glutamate at codon 126 is highly conserved, it occurs in an EGF domain in a residue predicted to bind calcium ions, and computational analyses predict that this variant is deleterious (REVEL: 0.955). Consistent with these predictions, functional studies demonstrate that the variant protein is poorly secreted and incorporated in the extracellular matrix, has reduced affinity for binding partner proteins, and is susceptible to proteases (Sasaki 2016, Sasaki 2019). Additionally, another amino acid substitution at this codon (p.Glu126Val) has been reported in trans to a frameshift variant in an individual with cutis laxa (Renard 2010). Based on available information, the p.Glu126Lys variant is considered to be pathogenic. References: Renard M et al. Altered TGFbeta signaling and cardiovascular manifestations in patients with autosomal recessive cutis laxa type I caused by fibulin-4 deficiency. Eur J Hum Genet. 2010 Aug;18(8):895-901. Sasaki T et al. Functional consequence of fibulin-4 missense mutations associated with vascular and skeletal abnormalities and cutis laxa. Matrix Biol. 2016 Dec;56:132-149. Sasaki T et al. Molecular dynamics simulations on human fibulin-4 mutants D203A and E126K reveal conformational changes in EGF domains potentially responsible for enhanced protease lability and impaired extracellular matrix assembly. Biochim Biophys Acta Proteins Proteom. 2019 Sep;1867(9):748-756. Sawyer SL et al. Longer term survival of a child with autosomal recessive cutis laxa due to a mutation in FBLN4. Am J Med Genet A. 2013 May;161A(5):1148-53.

CeGaT Center for Human Genetics Tuebingen
Classification: Pathogenic. Last evaluated: 2020-11-01. Review status: criteria provided, single submitter. Criteria: CeGaT Center For Human Genetics Tuebingen Variant Classification Criteria Version 2. Collection method: clinical testing. Allele origin: germline. Affected: yes. Observed: 1 variant allele.

Eurofins Ntd Llc (ga)
Classification: Pathogenic. Last evaluated: 2016-01-11. Review status: criteria provided, single submitter. Criteria: EGL Classification Definitions 2015. Collection method: clinical testing. Allele origin: germline. Observed: 2 variant alleles, 1 heterozygote, 1 homozygote.

OMIM
Classification: Pathogenic for CUTIS LAXA, AUTOSOMAL RECESSIVE, TYPE IB. Last evaluated: 2010-08-01. Review status: no assertion criteria provided. Collection method: literature only. Allele origin: germline. Not counted in ClinVar's aggregate classification.

GeneReviews
No classification provided. Condition: Autosomal recessive cutis laxa type 1. Review status: no classification provided. Collection method: literature only. Allele origin: unknown. Not counted in ClinVar's aggregate classification.

Literature cited by the submitters: PubMed 25907466 (cited by Women's Health and Genetics/Laboratory Corporation of America, LabCorp and North West Genomic Laboratory Hub, Manchester University NHS Foundation Trust); PubMed 31589614 (cited by Women's Health and Genetics/Laboratory Corporation of America, LabCorp and North West Genomic Laboratory Hub, Manchester University NHS Foundation Trust); PubMed 20389311 (cited by 5 submitters); PubMed 27339457 (cited by 3 submitters); PubMed 23532871 (cited by 4 submitters); PubMed 24276535 (cited by North West Genomic Laboratory Hub, Manchester University NHS Foundation Trust and Labcorp Genetics (formerly Invitae), Labcorp); PubMed 8985490 (cited by OMIM); PubMed 21563328 (cited by GeneReviews); NCBI Bookshelf NBK54467 (cited by GeneReviews).

NM_016938.5(EFEMP2):c.376G>A (p.Glu126Lys)

Gene: EFEMP2 (EGF-like fibulin extracellular matrix protein 2; minus strand). Cytogenetic location: 11q13.1.
Variant type: single nucleotide variant.
Coding change: c.376G>A on transcript NM_016938.5 (MANE Select); coding-DNA position 376, G replaced by A.
Protein change: p.Glu126Lys; replaces glutamic acid 126 with lysine.
Molecular consequence: missense variant. On other transcripts: non-coding transcript variant (1).
Genome position (GRCh38, 1-based): chr11:65,870,650, C>T on the plus strand (G>A on the coding strand, the complement: EFEMP2 is on the minus strand). VCF-style: chr11-65870650-C-T. GRCh37 (hg19) VCF-style: chr11-65638121-C-T.
Other names: short protein forms E126K.
Identifiers: ClinVar variation 39011 (VCV000039011.60), dbSNP rs193302867, ClinGen allele CA281914.